The following is an entry in ClinVar:

ClinVar aggregate classification (germline): Conflicting classifications of pathogenicity. Review status: criteria provided, conflicting classifications (1 of 4 stars). 5 submissions from 5 submitters: Uncertain significance (2); Benign (1); Likely benign (1). 1 of the submissions does not count toward it. Last evaluated 2025-04-28.

Conditions:
Hereditary cancer-predisposing syndrome. Also called: Neoplastic Syndromes, Hereditary; Tumor predisposition; Hereditary Cancer Syndrome; Hereditary neoplastic syndrome. Identifiers: Orphanet 140162, MedGen C0027672, MeSH D009386, MONDO:0015356.
Familial cancer of breast. Also called: BREAST CANCER, FAMILIAL; Hereditary breast cancer; hereditary breast carcinoma. Identifiers: Orphanet 227535, MedGen C0346153, MONDO:0016419, OMIM 114480. Disease mechanism: loss of function.

Allele frequency attached by ClinVar (database versions not stated): gnomAD exomes 0.00001; ExAC 0.00002; gnomAD 0.00002; TOPMed 0.00002.
gnomAD v4.1: 17 of 1,594,054 alleles (0.0011%); highest among the groups gnomAD compares: African/African-American, 0.004%; no homozygotes.

Submissions (5):

Color Diagnostics, LLC DBA Color Health
Classification: Uncertain significance for Hereditary cancer-predisposing syndrome. Last evaluated: 2025-04-28. Review status: criteria provided, single submitter. Criteria: ACMG Guidelines, 2015. Collection method: clinical testing. Allele origin: germline.
Comment: This variant results in a single nucleotide substitution in the 3' untranslated region of the CHEK2 gene. To our knowledge, functional studies have not been reported for this variant. This variant has not been reported in individuals affected with CHEK2-related disorders in the literature. This variant has been identified in 2/233600 chromosomes in the general population by the Genome Aggregation Database (gnomAD). The available evidence is insufficient to determine the role of this variant in disease conclusively. Therefore, this variant is classified as a Variant of Uncertain Significance.

Myriad Genetics, Inc.
Classification: Benign for Familial cancer of breast. Last evaluated: 2024-10-09. Review status: criteria provided, single submitter. Criteria: Myriad Autosomal Dominant, Autosomal Recessive and X-Linked Classification Criteria (2023). Collection method: clinical testing. Allele origin: unknown.
Comment: This variant is considered benign. This variant occurs in the non-coding 3' untranslated region of the gene, and is not expected to impact protein function.

GeneDx
Classification: Likely benign. Last evaluated: 2023-06-20. Review status: criteria provided, single submitter. Criteria: GeneDx Variant Classification Process June 2021. Collection method: clinical testing. Allele origin: germline. Affected: yes.
Comment: See Variant Classification Assertion Criteria.

Ambry Genetics
Classification: Uncertain significance for Hereditary cancer-predisposing syndrome. Last evaluated: 2016-05-02. Review status: criteria provided, single submitter. Criteria: Ambry Variant Classification Scheme 2023. Collection method: clinical testing. Allele origin: germline.
Comment: The c.*5C>T variant is located in the 3' untranslated region (3&rsquo; UTR) of the CHEK2 gene. This variant results from a C to T substitution 5 nucleotides after the last translated exon of the CHEK2 gene. This variant was not reported in population based cohorts in the following databases: Database of Single Nucleotide Polymorphisms (dbSNP), NHLBI Exome Sequencing Project (ESP), and 1000 Genomes Project. In the ESP, this variant was not observed in 3663 samples (7326 alleles) with coverage at this position. To date, this alteration has been detected with an allele frequency of approximately 0.002% (greater than 130000 alleles tested) in our clinical cohort. This nucleotide position is poorly conserved in available vertebrate species. Since supporting evidence is limited at this time, the clinical significance of c.*5C>T remains unclear.

Department of Pathology and Laboratory Medicine, Sinai Health System
Classification: Uncertain significance. Review status: no assertion criteria provided. Collection method: clinical testing. Allele origin: unknown. Affected: yes. Observed: 1 variant allele. Study: The Canadian Open Genetics Repository (COGR). Not counted in ClinVar's aggregate classification.
Comment: The CHEK2 c.*5C>T variant was not identified in the literature nor was it identified in the Cosmic, MutDB, and Zhejiang University Database. The variant was identified in dbSNP (ID: rs587781367) as â€šÃ„ÃºWith Uncertain significance alleleâ€šÃ„Ã¹, in ClinVar (classified uncertain significance by Ambry Genetics and likely benign by GeneDx), and in control databases in 2 of 229070 chromosomes at a frequency of 0.000009 (Genome Aggregation Database Feb 27, 2017). It was observed in the following populations: African in 1 of 13844 chromosomes (freq: 0.00007) and South Asian in 1 of 30508 chromosomes (freq: 0.00003); it was not observed in the Other, Latino, European Non-Finnish, Ashkenazi Jewish, East Asian, and European Finnish populations. The variant occurs in the 3â€šÃ„Ã´UTR but is not in a region known to affect transcriptional termination. In summary, based on the above information the clinical significance of this variant cannot be determined with certainty at this time although we would lean towards a more benign role for this variant. This variant is classified as likely benign.

NM_007194.4(CHEK2):c.*5C>T

Gene: CHEK2 (checkpoint kinase 2; minus strand). Cytogenetic location: 22q12.1.
Variant type: single nucleotide variant.
Coding change: c.*5C>T on transcript NM_007194.4 (MANE Select); 5 bases downstream of the stop codon, C replaced by T.
Molecular consequence: 3 prime UTR variant.
Genome position (GRCh38, 1-based): chr22:28,687,892, G>A on the plus strand (C>T on the coding strand, the complement: CHEK2 is on the minus strand). VCF-style: chr22-28687892-G-A. GRCh37 (hg19) VCF-style: chr22-29083880-G-A.
Other names: c.*5C>T (NM_001349956.3, NM_145862.3, NM_001005735.3 and 1 more transcripts).
Identifiers: ClinVar variation 140914 (VCV000140914.9), dbSNP rs587781367, ClinGen allele CA163907.